The following is an entry in ClinVar:

NM_001276345.2(TNNT2):c.68-5C>T

Gene: TNNT2 (troponin T2, cardiac type; minus strand). Cytogenetic location: 1q32.1.
Variant type: single nucleotide variant.
Coding change: c.68-5C>T on transcript NM_001276345.2 (MANE Select); 5 bases into the intron before coding-DNA position 68, C replaced by T.
Molecular consequence: intron variant.
Genome position (GRCh38, 1-based): chr1:201,369,850, G>A on the plus strand (C>T on the coding strand, the complement: TNNT2 is on the minus strand). VCF-style: chr1-201369850-G-A. GRCh37 (hg19) VCF-style: chr1-201338978-G-A.
Other names: c.53-1623C>T (NM_001001432.3); c.68-1623C>T (NM_001001431.3, NM_001001430.3, NM_001276347.2); c.68-5C>T (NM_001276346.2, NM_000364.4).
Identifiers: ClinVar variation 810755 (VCV000810755.19), dbSNP rs540630390, ClinGen allele CA089140.
Genomic context (GRCh38, chr1:201,369,850, plus strand): 5'-CACCACAGAAGGAAAGGCTGTACTACCGTCTTCGTCCTCTCTCCAGTCCTCCTCTTCTGA[G>A]GTTCAGGGAGTGGCCGCAGCGGAGGGGAAAAGCGAGACAGGTTAGTCTGGGAGCAGAGAG-3'

ClinVar aggregate classification (germline): Benign/Likely benign. Review status: criteria provided, multiple submitters, no conflicts (2 of 4 stars). 9 submissions from 7 submitters: Benign (6); Likely benign (1). 2 of the submissions do not count toward it. Last evaluated 2026-01-31.

Conditions:
Dilated cardiomyopathy 1D. Identifiers: Orphanet 154, Orphanet 54260, MedGen C1832243, MONDO:0011095, OMIM 601494.
Cardiomyopathy, familial restrictive, 3. Identifiers: Orphanet 75249, MedGen C2676271, MONDO:0012900, OMIM 612422.
Hypertrophic cardiomyopathy 2. Also called: TNNT2-Related Familial Hypertrophic Cardiomyopathy. Identifiers: MedGen C1861864, MONDO:0007266, OMIM 115195.
Primary dilated cardiomyopathy (DCM). Also called: Dilated Cardiomyopathy. Identifiers: Orphanet 217604, MedGen C0007193, MeSH D002311, MONDO:0005021, HP:0001644. Inheritance: Various modes of inheritance.
Sudden unexplained death. Identifiers: MedGen C0520806.
Hypertrophic cardiomyopathy. Also called: HYPERTROPHIC MYOCARDIOPATHY. Identifiers: Orphanet 217569, MedGen C0007194, MeSH D002312, MONDO:0005045, HP:0001639.

Allele frequency attached by ClinVar (database versions not stated): gnomAD 0.00133 and 0.00188; gnomAD exomes 0.00172 and 0.00387; TOPMed 0.00197; ExAC 0.00391; 1000 Genomes Project 30x 0.00671; 1000 Genomes Project 0.00839.
gnomAD v4.1: 2,876 of 1,614,188 alleles (0.18%); highest among the groups gnomAD compares: East Asian, 5%; 52 homozygotes.

Submissions (9):

Labcorp Genetics (formerly Invitae), Labcorp
Classification: Benign for Cardiomyopathy, familial restrictive, 3; Hypertrophic cardiomyopathy 2; Dilated cardiomyopathy 1D. Last evaluated: 2026-01-31. Review status: criteria provided, single submitter. Criteria: Invitae Variant Classification Sherloc (09022015). Collection method: clinical testing. Allele origin: germline.

ARUP Laboratories, Molecular Genetics and Genomics, ARUP Laboratories
Classification: Benign. Last evaluated: 2025-06-05. Review status: criteria provided, single submitter. Criteria: ARUP Molecular Germline Variant Investigation Process 2024. Collection method: clinical testing. Allele origin: germline.

Blueprint Genetics
Classification: Likely benign. Last evaluated: 2024-11-15. Review status: criteria provided, single submitter. Criteria: ACMG Guidelines, 2015. Collection method: clinical testing. Allele origin: germline.

Genome-Nilou Lab
Classification: Benign for Dilated cardiomyopathy 1D. Last evaluated: 2023-04-11. Review status: criteria provided, single submitter. Criteria: ACMG Guidelines, 2015. Collection method: clinical testing. Allele origin: germline. Affected: no.

Genome-Nilou Lab
Classification: Benign for Cardiomyopathy, familial restrictive, 3. Last evaluated: 2023-04-11. Review status: criteria provided, single submitter. Criteria: ACMG Guidelines, 2015. Collection method: clinical testing. Allele origin: germline. Affected: no.

Genome-Nilou Lab
Classification: Benign for Hypertrophic cardiomyopathy 2. Last evaluated: 2023-04-11. Review status: criteria provided, single submitter. Criteria: ACMG Guidelines, 2015. Collection method: clinical testing. Allele origin: germline. Affected: no.

Agnes Ginges Centre for Molecular Cardiology, Centenary Institute
Classification: Benign for hypertrophic cardiomyopathy; dilated cardiomyopathy; sudden unexplained death. Last evaluated: 2018-10-12. Review status: criteria provided, single submitter. Criteria: ACMG Guidelines, 2015. Collection method: research. Allele origin: germline. Inheritance: Autosomal dominant inheritance. Affected: yes.

Clinical Genetics, Academic Medical Center
Classification: Benign. Review status: no assertion criteria provided. Collection method: clinical testing. Allele origin: germline. Affected: yes. Study: VKGL Data-share Consensus. Not counted in ClinVar's aggregate classification.

Joint Genome Diagnostic Labs from Nijmegen and Maastricht, Radboudumc and MUMC+
Classification: Benign. Review status: no assertion criteria provided. Collection method: clinical testing. Allele origin: germline. Affected: yes. Study: VKGL Data-share Consensus. Not counted in ClinVar's aggregate classification.